The following is an entry in ClinVar:

NM_001365088.1(SLC12A6):c.230C>G (p.Pro77Arg)

Gene: SLC12A6 (solute carrier family 12 member 6; minus strand). Cytogenetic location: 15q14.
Variant type: single nucleotide variant.
Coding change: c.230C>G on transcript NM_001365088.1 (MANE Select); coding-DNA position 230, C replaced by G.
Protein change: p.Pro77Arg; replaces proline 77 with arginine.
Molecular consequence: missense variant.
Genome position (GRCh38, 1-based): chr15:34,336,451, G>C on the plus strand (C>G on the coding strand, the complement: SLC12A6 is on the minus strand). VCF-style: chr15-34336451-G-C. GRCh37 (hg19) VCF-style: chr15-34628652-G-C.
Other names: c.53C>G, p.Pro18Arg (NM_001042494.2, NM_001042495.2); c.203C>G, p.Pro68Arg (NM_001042496.2); c.230C>G, p.Pro77Arg (NM_001042497.2, NM_133647.2); short protein forms P77R, P18R, P68R.
Identifiers: ClinVar variation 193493 (VCV000193493.21), dbSNP rs369793136, ClinGen allele CA239021.

ClinVar aggregate classification (germline): Conflicting classifications of pathogenicity. Review status: criteria provided, conflicting classifications (1 of 4 stars). 5 submissions from 5 submitters: Uncertain significance (3); Likely benign (1). 1 of the submissions does not count toward it. Last evaluated 2026-01-10.

Conditions:
Agenesis of the corpus callosum with peripheral neuropathy (ACCPN). Also called: POLYNEUROPATHY, SENSORIMOTOR, WITH OR WITHOUT AGENESIS OF THE CORPUS CALLOSUM; HMSN/ACC; CHARLEVOIX DISEASE; Hereditary Motor and Sensory Neuropathy with Agenesis of the Corpus Callosum. Identifiers: Orphanet 1496, MedGen C0795950, MONDO:0000902, OMIM 218000. Disease mechanism: loss of function.

Allele frequency attached by ClinVar (database versions not stated): gnomAD 0.00003; gnomAD exomes 0.00006; TOPMed 0.00006; ESP Exome Variant Server 0.00008; ExAC 0.00009.

Submissions (5):

Labcorp Genetics (formerly Invitae), Labcorp
Classification: Likely benign. Last evaluated: 2026-01-10. Review status: criteria provided, single submitter. Criteria: Invitae Variant Classification Sherloc (09022015). Collection method: clinical testing. Allele origin: germline.

GeneDx
Classification: Uncertain significance. Last evaluated: 2025-05-19. Review status: criteria provided, single submitter. Criteria: GeneDx Variant Classification Process June 2021. Collection method: clinical testing. Allele origin: germline. Affected: yes.
Comment: In silico analysis supports that this missense variant has a deleterious effect on protein structure/function; Has not been previously published as pathogenic or benign to our knowledge

Genome-Nilou Lab
Classification: Uncertain significance for Agenesis of the corpus callosum with peripheral neuropathy. Last evaluated: 2021-07-15. Review status: criteria provided, single submitter. Criteria: ACMG Guidelines, 2015. Collection method: clinical testing. Allele origin: germline. Affected: no.

Eurofins Ntd Llc (ga)
Classification: Uncertain significance. Last evaluated: 2014-11-23. Review status: criteria provided, single submitter. Criteria: EGL Classification Definitions 2015. Collection method: clinical testing. Allele origin: germline. Observed: 2 variant alleles, 2 heterozygotes.

Natera, Inc.
Classification: Uncertain significance for Andermann syndrome. Last evaluated: 2020-09-16. Review status: no assertion criteria provided. Collection method: clinical testing. Allele origin: germline. Not counted in ClinVar's aggregate classification.